The following is an entry in ClinVar:

ClinVar aggregate classification (germline): Likely pathogenic (1 of 4 stars; one submission).

Conditions:
Werner syndrome (WRN). Identifiers: Orphanet 902, MedGen C0043119, MONDO:0010196, OMIM 277700.

Submission:

Labcorp Genetics (formerly Invitae), Labcorp
Classification: Likely pathogenic for Werner syndrome. Last evaluated: 2023-04-06. Review status: criteria provided, single submitter. Criteria: Invitae Variant Classification Sherloc (09022015). Collection method: clinical testing. Allele origin: germline.
Comment: This sequence change affects a donor splice site in intron 15 of the WRN gene. It is expected to disrupt RNA splicing. Variants that disrupt the donor or acceptor splice site typically lead to a loss of protein function (PMID: 16199547), and loss-of-function variants in WRN are known to be pathogenic (PMID: 16673358). This variant is not present in population databases (gnomAD no frequency). Disruption of this splice site has been observed in individual(s) with Werner syndrome (PMID: 20443122). Algorithms developed to predict the effect of sequence changes on RNA splicing suggest that this variant may disrupt the consensus splice site. In summary, the currently available evidence indicates that the variant is pathogenic, but additional data are needed to prove that conclusively. Therefore, this variant has been classified as Likely Pathogenic.

Literature cited by the submitters: PubMed 16199547; PubMed 16673358; PubMed 20443122.

NM_000553.6(WRN):c.1829+2T>C

Gene: WRN (WRN RecQ like helicase; plus strand). Cytogenetic location: 8p12.
Variant type: single nucleotide variant.
Coding change: c.1829+2T>C on transcript NM_000553.6 (MANE Select); the canonical splice donor site of the intron after coding-DNA position 1829, T replaced by C.
Molecular consequence: splice donor variant.
Genome position (GRCh38, 1-based): chr8:31,090,944, T>C. VCF-style: chr8-31090944-T-C. GRCh37 (hg19) VCF-style: chr8-30948460-T-C.
Identifiers: ClinVar variation 2852998 (VCV002852998.3), dbSNP rs2535931905, ClinGen allele CA370928270.
Genomic context (GRCh38, chr8:31,090,944, plus strand): 5'-ATTGGCCTTGTTATCTCTCCCCTTATTTCTCTGATGGAAGACCAAGTGCTACAGCTTAAG[T>C]AAGTCATGTTATCATTGCCACAATATCACCCTCTTTTTTTCTTCTGTGGGTGAAACATCT-3'